The following is an entry in ClinVar:

NM_001286.5(CLCN6):c.22C>T (p.Leu8=)

Gene: CLCN6 (Cl-/H+ antiporter 6; plus strand). Cytogenetic location: 1p36.22.
Variant type: single nucleotide variant.
Coding change: c.22C>T on transcript NM_001286.5 (MANE Select); coding-DNA position 22, C replaced by T.
Protein change: p.Leu8=; no amino-acid change (leucine 8 retained).
Molecular consequence: synonymous variant. On other transcripts: non-coding transcript variant (1).
Genome position (GRCh38, 1-based): chr1:11,806,284, C>T. VCF-style: chr1-11806284-C-T. GRCh37 (hg19) VCF-style: chr1-11866341-C-T.
Other names: c.22C>T, p.Leu8= (NM_001256959.2).
Identifiers: ClinVar variation 2151680 (VCV002151680.28), dbSNP rs150143694, ClinGen allele CA595845.

ClinVar aggregate classification (germline): Likely benign. Review status: criteria provided, multiple submitters, no conflicts (2 of 4 stars). 2 submissions from 2 submitters: Likely benign (2). Last evaluated 2025-01-19.

gnomAD v4.1: 27 of 1,502,310 alleles (0.0018%); highest among the groups gnomAD compares: Middle Eastern, 0.017%; no homozygotes.

Submissions (2):

Labcorp Genetics (formerly Invitae), Labcorp
Classification: Likely benign. Last evaluated: 2025-01-19. Review status: criteria provided, single submitter. Criteria: Invitae Variant Classification Sherloc (09022015). Collection method: clinical testing. Allele origin: germline.

CeGaT Center for Human Genetics Tuebingen
Classification: Likely benign. Last evaluated: 2023-03-01. Review status: criteria provided, single submitter. Criteria: CeGaT Center For Human Genetics Tuebingen Variant Classification Criteria Version 2. Collection method: clinical testing. Allele origin: germline. Affected: yes. Observed: 1 variant allele.
Comment: CLCN6: BP4, BP7